The following is an entry in ClinVar:

ClinVar aggregate classification (germline): Uncertain significance (1 of 4 stars; one submission).

Submission:

GeneDx
Classification: Uncertain significance. Last evaluated: 2025-04-03. Review status: criteria provided, single submitter. Criteria: GeneDx Variant Classification Process June 2021. Collection method: clinical testing. Allele origin: germline. Affected: yes.
Comment: Not observed at significant frequency in large population cohorts (gnomAD); In silico analysis indicates that this missense variant does not alter protein structure/function; Has not been previously published as pathogenic or benign to our knowledge

NM_004667.6(HERC2):c.10162G>A (p.Asp3388Asn)

Gene: HERC2 (HECT and RLD domain containing E3 ubiquitin protein ligase 2; minus strand). Cytogenetic location: 15q13.1.
Variant type: single nucleotide variant.
Coding change: c.10162G>A on transcript NM_004667.6 (MANE Select); coding-DNA position 10162, G replaced by A.
Protein change: p.Asp3388Asn; replaces aspartic acid 3388 with asparagine.
Molecular consequence: missense variant.
Genome position (GRCh38, 1-based): chr15:28,169,551, C>T on the plus strand (G>A on the coding strand, the complement: HERC2 is on the minus strand). VCF-style: chr15-28169551-C-T. GRCh37 (hg19) VCF-style: chr15-28414697-C-T.
Other names: short protein forms D3388N.
Identifiers: ClinVar variation 4278648 (VCV004278648.1).